The following is an entry in ClinVar:

ClinVar aggregate classification (germline): Uncertain significance (1 of 4 stars; one submission).

Conditions:
DNA ligase IV deficiency. Identifiers: Orphanet 99812, MedGen C1847827, MONDO:0011686, OMIM 606593.

Allele frequency attached by ClinVar (database versions not stated): gnomAD exomes below 0.00001; TOPMed below 0.00001; ExAC 0.00002.
gnomAD v4.1: 2 of 1,612,032 alleles (0.00012%); highest among the groups gnomAD compares: Middle Eastern, 0.016%; no homozygotes.

Submission:

Labcorp Genetics (formerly Invitae), Labcorp
Classification: Uncertain significance for DNA ligase IV deficiency. Last evaluated: 2024-12-02. Review status: criteria provided, single submitter. Criteria: Invitae Variant Classification Sherloc (09022015). Collection method: clinical testing. Allele origin: germline.
Comment: This sequence change replaces isoleucine, which is neutral and non-polar, with threonine, which is neutral and polar, at codon 422 of the LIG4 protein (p.Ile422Thr). This variant is present in population databases (rs760428956, gnomAD 0.003%). This variant has not been reported in the literature in individuals affected with LIG4-related conditions. ClinVar contains an entry for this variant (Variation ID: 1945365). Invitae Evidence Modeling of protein sequence and biophysical properties (such as structural, functional, and spatial information, amino acid conservation, physicochemical variation, residue mobility, and thermodynamic stability) indicates that this missense variant is expected to disrupt LIG4 protein function with a positive predictive value of 95%. In summary, the available evidence is currently insufficient to determine the role of this variant in disease. Therefore, it has been classified as a Variant of Uncertain Significance.

NM_206937.2(LIG4):c.1265T>C (p.Ile422Thr)

Gene: LIG4 (DNA ligase 4; minus strand). Cytogenetic location: 13q33.3.
Variant type: single nucleotide variant.
Coding change: c.1265T>C on transcript NM_206937.2 (MANE Select); coding-DNA position 1265, T replaced by C.
Protein change: p.Ile422Thr; replaces isoleucine 422 with threonine.
Molecular consequence: missense variant.
Genome position (GRCh38, 1-based): chr13:108,210,004, A>G on the plus strand (T>C on the coding strand, the complement: LIG4 is on the minus strand). VCF-style: chr13-108210004-A-G. GRCh37 (hg19) VCF-style: chr13-108862352-A-G.
Other names: c.1265T>C, p.Ile422Thr (NM_001098268.2, NM_001352598.2, NM_001352599.2 and 6 more transcripts); c.1064T>C, p.Ile355Thr (NM_001330595.2); c.1301T>C, p.Ile434Thr (NM_001352604.2); short protein forms I422T, I355T, I434T.
Identifiers: ClinVar variation 1945365 (VCV001945365.4), dbSNP rs760428956, ClinGen allele CA7043718.
Genomic context (GRCh38, chr13:108,210,004, plus strand): 5'-TTGTCTGGCTTGTAGATGGATAGAGGTTGTTTTACCATAATTCCCTCTTCTCTTTTATCT[A>G]TTGCTTCATTCAATGCATCAATTACTTCATTCTTAGTATGAGCTTGTGTTTTCTGCACTA-3'
Protein context (NP_996820.1, residues 412-432): NEVIDALNEA[Ile422Thr]DKREEGIMVK